The following is an entry in ClinVar:

NM_001197104.2(KMT2A):c.362C>T (p.Ala121Val)

Gene: KMT2A (lysine methyltransferase 2A; plus strand). Cytogenetic location: 11q23.3.
Variant type: single nucleotide variant.
Coding change: c.362C>T on transcript NM_001197104.2 (MANE Select); coding-DNA position 362, C replaced by T.
Protein change: p.Ala121Val; replaces alanine 121 with valine.
Molecular consequence: missense variant.
Genome position (GRCh38, 1-based): chr11:118,436,874, C>T. VCF-style: chr11-118436874-C-T. GRCh37 (hg19) VCF-style: chr11-118307589-C-T.
Other names: c.362C>T, p.Ala121Val (NM_001412597.1, NM_005933.4); short protein forms A121V.
Identifiers: ClinVar variation 1676335 (VCV001676335.3), dbSNP rs2134155022, ClinGen allele CA382798458.

ClinVar aggregate classification (germline): Likely benign (1 of 4 stars; one submission).

Submission:

GeneDx
Classification: Likely benign. Last evaluated: 2024-02-29. Review status: criteria provided, single submitter. Criteria: GeneDx Variant Classification Process June 2021. Collection method: clinical testing. Allele origin: germline. Affected: yes.
Comment: See Variant Classification Assertion Criteria.